The following is an entry in ClinVar:

NM_000346.4(SOX9):c.554G>A (p.Gly185Glu)

Gene: SOX9 (SRY-box transcription factor 9; plus strand). Cytogenetic location: 17q24.3.
Variant type: single nucleotide variant.
Coding change: c.554G>A on transcript NM_000346.4 (MANE Select); coding-DNA position 554, G replaced by A.
Protein change: p.Gly185Glu; replaces glycine 185 with glutamic acid.
Molecular consequence: missense variant.
Genome position (GRCh38, 1-based): chr17:72,122,841, G>A. VCF-style: chr17-72122841-G-A. GRCh37 (hg19) VCF-style: chr17-70118982-G-A.
Other names: short protein forms G185E.
Identifiers: ClinVar variation 4631883 (VCV004631883.1).
Genomic context (GRCh38, chr17:72,122,841, plus strand): 5'-ACAAGAAGGACCACCCGGATTACAAGTACCAGCCGCGGCGGAGGAAGTCGGTGAAGAACG[G>A]GCAGGCGGAGGCAGAGGAGGCCACGGAGCAGACGCACATCTCCCCCAACGCCATCTTCAA-3'
Protein context (NP_000337.1, residues 175-195): QPRRRKSVKN[Gly185Glu]QAEAEEATEQ

ClinVar aggregate classification (germline): Uncertain significance (1 of 4 stars; one submission).

Conditions:
Inborn genetic diseases. Identifiers: MedGen C0950123, MeSH D030342.

gnomAD v4.1: 6 of 1,614,160 alleles (0.00037%); highest among the groups gnomAD compares: East Asian, 0.0022%; no homozygotes.

Submission:

Ambry Genetics
Classification: Uncertain significance for Inborn genetic diseases. Last evaluated: 2025-09-22. Review status: criteria provided, single submitter. Criteria: Ambry Variant Classification Scheme 2023. Collection method: clinical testing. Allele origin: germline.
Comment: The c.554G>A (p.G185E) alteration is located in exon 2 (coding exon 2) of the SOX9 gene. This alteration results from a G to A substitution at nucleotide position 554, causing the glycine (G) at amino acid position 185 to be replaced by a glutamic acid (E). Based on data from gnomAD, the A allele has an overall frequency of 0.001% (2/251260) total alleles studied. The highest observed frequency was 0.003% (1/30616) of South Asian alleles. Based on insufficient or conflicting evidence, the clinical significance of this alteration remains unclear.